The following is an entry in ClinVar:

NM_174936.4(PCSK9):c.452C>T (p.Ala151Val)

Gene: PCSK9 (proprotein convertase subtilisin/kexin type 9; plus strand). Cytogenetic location: 1p32.3.
Variant type: single nucleotide variant.
Coding change: c.452C>T on transcript NM_174936.4 (MANE Select); coding-DNA position 452, C replaced by T.
Protein change: p.Ala151Val; replaces alanine 151 with valine.
Molecular consequence: missense variant. On other transcripts: non-coding transcript variant (6), intron variant (1).
Genome position (GRCh38, 1-based): chr1:55,046,575, C>T. VCF-style: chr1-55046575-C-T. GRCh37 (hg19) VCF-style: chr1-55512248-C-T.
Other names: c.575C>T, p.Ala192Val (NM_001407240.1); c.452C>T, p.Ala151Val (NM_001407241.1, NM_001407242.1, NM_001407244.1 and 1 more transcripts); c.260C>T, p.Ala87Val (NM_001407245.1); c.77C>T, p.Ala26Val (NM_001407246.1); c.400-5C>T (NM_001407243.1); short protein forms A192V, A151V, A26V, A87V.
Identifiers: ClinVar variation 2454166 (VCV002454166.4), dbSNP rs1026746691, ClinGen allele CA22797764.

ClinVar aggregate classification (germline): Uncertain significance. Review status: criteria provided, multiple submitters, no conflicts (2 of 4 stars). 2 submissions from 2 submitters: Uncertain significance (2). Last evaluated 2025-05-22.

Conditions:
Hypercholesterolemia, autosomal dominant, 3 (FHCL3). Also called: Familial Hypercholesterolemia, Autosomal Dominant, 3; PCSK9-Related Familial Hypercholesterolemia, Autosomal Dominant; Familial hypercholesterolemia 3. Identifiers: MedGen C1863551, MONDO:0011369, OMIM 603776.
Cardiovascular phenotype. Identifiers: MedGen CN230736.

Allele frequency attached by ClinVar (database versions not stated): gnomAD exomes below 0.00001.
gnomAD v4.1: 1 of 1,614,168 alleles (0.000062%); highest among the groups gnomAD compares: Non-Finnish European, 0.000085%; no homozygotes.

Submissions (2):

Ambry Genetics
Classification: Uncertain significance for Cardiovascular phenotype. Last evaluated: 2025-05-22. Review status: criteria provided, single submitter. Criteria: Ambry Variant Classification Scheme 2023. Collection method: clinical testing. Allele origin: germline.

All of Us Research Program, National Institutes of Health
Classification: Uncertain significance for Hypercholesterolemia, autosomal dominant, 3. Last evaluated: 2024-06-09. Review status: criteria provided, single submitter. Criteria: ACMG Guidelines, 2015. Collection method: clinical testing. Allele origin: germline. Inheritance: Autosomal dominant inheritance. Observed: 1 variant allele, 1 heterozygote.
Comment: This missense variant replaces alanine with valine at codon 151 of the PCSK9 protein. Computational prediction suggests that this variant may not impact protein structure and function (internally defined REVEL score threshold <= 0.5, PMID: 27666373). To our knowledge, functional studies have not been reported for this variant. This variant has not been reported in individuals affected with PCSK9-related disorders in the literature. This variant has not been identified in the general population by the Genome Aggregation Database (gnomAD). The available evidence is insufficient to determine the role of this variant in disease conclusively. Therefore, this variant is classified as a Variant of Uncertain Significance.

This study involves interpretation of variants in research participants for the purpose of population health screening. Participant phenotype was not available at the time of variant classification. Additional details can be found in publication PMID: 35346344, PMCID: PMC8962531